The following is an entry in ClinVar:

NM_004727.3(SLC24A1):c.1307C>T (p.Pro436Leu)

Gene: SLC24A1 (solute carrier family 24 member 1; plus strand). Cytogenetic location: 15q22.31.
Variant type: single nucleotide variant.
Coding change: c.1307C>T on transcript NM_004727.3 (MANE Select); coding-DNA position 1307, C replaced by T.
Protein change: p.Pro436Leu; replaces proline 436 with leucine.
Molecular consequence: missense variant.
Genome position (GRCh38, 1-based): chr15:65,625,387, C>T. VCF-style: chr15-65625387-C-T. GRCh37 (hg19) VCF-style: chr15-65917725-C-T.
Other names: c.1307C>T, p.Pro436Leu (NM_001301031.1, NM_001301032.1, NM_001301033.2); short protein forms P436L.
Identifiers: ClinVar variation 1051661 (VCV001051661.9), dbSNP rs2141468961, ClinGen allele CA392917185.

ClinVar aggregate classification (germline): Uncertain significance (1 of 4 stars; one submission).

Submission:

Labcorp Genetics (formerly Invitae), Labcorp
Classification: Uncertain significance. Last evaluated: 2020-07-29. Review status: criteria provided, single submitter. Criteria: Invitae Variant Classification Sherloc (09022015). Collection method: clinical testing. Allele origin: germline.
Comment: This variant is not present in population databases (ExAC no frequency). In summary, the available evidence is currently insufficient to determine the role of this variant in disease. Therefore, it has been classified as a Variant of Uncertain Significance. Algorithms developed to predict the effect of missense changes on protein structure and function are either unavailable or do not agree on the potential impact of this missense change (SIFT: "Deleterious"; PolyPhen-2: "Possibly Damaging"; Align-GVGD: "Class C0"). This variant has not been reported in the literature in individuals with SLC24A1-related conditions. This sequence change replaces proline with leucine at codon 436 of the SLC24A1 protein (p.Pro436Leu). The proline residue is weakly conserved and there is a moderate physicochemical difference between proline and leucine.